The following is an entry in ClinVar:

ClinVar aggregate classification (germline): Conflicting classifications of pathogenicity. Review status: criteria provided, conflicting classifications (1 of 4 stars). 3 submissions from 3 submitters: Uncertain significance (1); Likely benign (1). 1 of the submissions does not count toward it. Last evaluated 2024-03-01.

Conditions:
LAMA5-related disorder. Also called: LAMA5-related condition; LAMA5-Related Disorders.
Inborn genetic diseases. Identifiers: MedGen C0950123, MeSH D030342.

Allele frequency attached by ClinVar (database versions not stated): gnomAD exomes below 0.00001 and 0.00002; gnomAD 0.00001; TOPMed 0.00001.
gnomAD v4.1: 33 of 1,609,612 alleles (0.0021%); highest among the groups gnomAD compares: Middle Eastern, 0.033%; 1 homozygote.

Submissions (3):

CeGaT Center for Human Genetics Tuebingen
Classification: Uncertain significance. Last evaluated: 2024-03-01. Review status: criteria provided, single submitter. Criteria: CeGaT Center For Human Genetics Tuebingen Variant Classification Criteria Version 2. Collection method: clinical testing. Allele origin: germline. Affected: yes. Observed: 2 variant alleles.
Comment: LAMA5: PM2, BP4

Ambry Genetics
Classification: Likely benign for Inborn genetic diseases. Last evaluated: 2023-07-25. Review status: criteria provided, single submitter. Criteria: Ambry Variant Classification Scheme 2023. Collection method: clinical testing. Allele origin: germline.

PreventionGenetics, part of Exact Sciences
Classification: Uncertain significance for LAMA5-related condition. Last evaluated: 2024-03-29. Review status: no assertion criteria provided. Collection method: clinical testing. Allele origin: germline. Not counted in ClinVar's aggregate classification.
Comment: The LAMA5 c.10013G>A variant is predicted to result in the amino acid substitution p.Arg3338Gln. To our knowledge, this variant has not been reported in the literature. This variant is reported in 0.00090% of alleles in individuals of European (Non-Finnish) descent in gnomAD. Of note, at this position is a glutamine (Gln) in mouse and rat. At this time, the clinical significance of this variant is uncertain due to the absence of conclusive functional and genetic evidence.

NM_005560.6(LAMA5):c.10013G>A (p.Arg3338Gln)

Gene: LAMA5 (laminin subunit alpha 5; minus strand). Cytogenetic location: 20q13.33.
Variant type: single nucleotide variant.
Coding change: c.10013G>A on transcript NM_005560.6 (MANE Select); coding-DNA position 10013, G replaced by A.
Protein change: p.Arg3338Gln; replaces arginine 3338 with glutamine.
Molecular consequence: missense variant.
Genome position (GRCh38, 1-based): chr20:62,311,237, C>T on the plus strand (G>A on the coding strand, the complement: LAMA5 is on the minus strand). VCF-style: chr20-62311237-C-T. GRCh37 (hg19) VCF-style: chr20-60886293-C-T.
Other names: c.10013G>A (NM_005560.4, NM_005560.3); short protein forms R3338Q.
Identifiers: ClinVar variation 871095 (VCV000871095.43), dbSNP rs1266350933, ClinGen allele CA409538536.